The following is an entry in ClinVar:

NM_020366.4(RPGRIP1):c.2434C>T (p.Arg812Trp)

Gene: RPGRIP1 (RPGR interacting protein 1; plus strand). Cytogenetic location: 14q11.2.
Variant type: single nucleotide variant.
Coding change: c.2434C>T on transcript NM_020366.4 (MANE Select); coding-DNA position 2434, C replaced by T.
Protein change: p.Arg812Trp; replaces arginine 812 with tryptophan.
Molecular consequence: missense variant. On other transcripts: intron variant (4).
Genome position (GRCh38, 1-based): chr14:21,325,897, C>T. VCF-style: chr14-21325897-C-T. GRCh37 (hg19) VCF-style: chr14-21794056-C-T.
Other names: c.1360C>T, p.Arg454Trp (NM_001377948.1); c.796+1172C>T (NM_001377949.1); c.689-1726C>T (NM_001377523.1, NM_001377950.1); c.191-1726C>T (NM_001377951.1); short protein forms R454W, R812W.
Identifiers: ClinVar variation 2140612 (VCV002140612.2), dbSNP rs749333696, ClinGen allele CA7089259.

ClinVar aggregate classification (germline): Uncertain significance. Review status: criteria provided, multiple submitters, no conflicts (2 of 4 stars). 2 submissions from 2 submitters: Uncertain significance (2). Last evaluated 2022-11-04.

Conditions:
Cone-rod dystrophy 13 (CORD13). Identifiers: Orphanet 1872, MedGen C2750720, MONDO:0011987, OMIM 608194.
Leber congenital amaurosis 6 (LCA6). Identifiers: Orphanet 65, MedGen C1854260, MONDO:0013446, OMIM 613826.

Allele frequency attached by ClinVar (database versions not stated): TOPMed below 0.00001; ExAC 0.00002; gnomAD exomes 0.00002; gnomAD 0.00003.
gnomAD v4.1: 33 of 1,613,816 alleles (0.002%); highest among the groups gnomAD compares: Middle Eastern, 0.016%; no homozygotes.

Submissions (2):

Blueprint Genetics
Classification: Uncertain significance. Last evaluated: 2022-11-04. Review status: criteria provided, single submitter. Criteria: ACMG Guidelines, 2015. Collection method: clinical testing. Allele origin: germline.

Labcorp Genetics (formerly Invitae), Labcorp
Classification: Uncertain significance for Leber congenital amaurosis 6; Cone-rod dystrophy 13. Last evaluated: 2022-06-19. Review status: criteria provided, single submitter. Criteria: Invitae Variant Classification Sherloc (09022015). Collection method: clinical testing. Allele origin: germline.
Comment: This sequence change replaces arginine, which is basic and polar, with tryptophan, which is neutral and slightly polar, at codon 812 of the RPGRIP1 protein (p.Arg812Trp). This variant is present in population databases (rs749333696, gnomAD 0.006%). This variant has not been reported in the literature in individuals affected with RPGRIP1-related conditions. Algorithms developed to predict the effect of missense changes on protein structure and function are either unavailable or do not agree on the potential impact of this missense change (SIFT: "Deleterious"; PolyPhen-2: "Probably Damaging"; Align-GVGD: "Class C0"). In summary, the available evidence is currently insufficient to determine the role of this variant in disease. Therefore, it has been classified as a Variant of Uncertain Significance.